The following is an entry in ClinVar:

ClinVar aggregate classification (germline): Conflicting classifications of pathogenicity. Review status: criteria provided, conflicting classifications (1 of 4 stars). 4 submissions from 4 submitters: Uncertain significance (2); Likely benign (1). 1 of the submissions does not count toward it. Last evaluated 2026-07-22.

Conditions:
Hereditary cancer-predisposing syndrome. Also called: Neoplastic Syndromes, Hereditary; Hereditary Cancer Syndrome; Tumor predisposition; Hereditary neoplastic syndrome. Identifiers: Orphanet 140162, MedGen C0027672, MeSH D009386, MONDO:0015356.
Ataxia-telangiectasia syndrome (AT). Also called: LOUIS-BAR SYNDROME; Cerebello-oculocutaneous telangiectasia; Immunodeficiency with ataxia telangiectasia; Ataxia-telangiectasia, complementation group D; AT, COMPLEMENTATION GROUP C; Ataxia-telangiectasia, complementation group E. Identifiers: Orphanet 100, MedGen C0004135, MONDO:0008840, OMIM 208900.

Allele frequency attached by ClinVar (database versions not stated): gnomAD exomes below 0.00001; TOPMed below 0.00001; gnomAD 0.00001.
gnomAD v4.1: 2 of 1,595,842 alleles (0.00013%); highest among the groups gnomAD compares: Non-Finnish European, 0.00017%; no homozygotes.

Submissions (4):

Ambry Genetics
Classification: Likely benign for Hereditary cancer-predisposing syndrome. Last evaluated: 2026-07-22. Review status: criteria provided, single submitter. Criteria: Ambry Variant Classification Scheme 2023. Collection method: clinical testing. Allele origin: germline.

Labcorp Genetics (formerly Invitae), Labcorp
Classification: Uncertain significance for Ataxia-telangiectasia syndrome. Last evaluated: 2025-11-25. Review status: criteria provided, single submitter. Criteria: Invitae Variant Classification Sherloc (09022015). Collection method: clinical testing. Allele origin: germline.
Comment: This sequence change replaces glutamic acid, which is acidic and polar, with aspartic acid, which is acidic and polar, at codon 1978 of the ATM protein (p.Glu1978Asp). This variant is not present in population databases (gnomAD no frequency). This variant has not been reported in the literature in individuals affected with ATM-related conditions. ClinVar contains an entry for this variant (Variation ID: 482747). Invitae Evidence Modeling of protein sequence and biophysical properties (such as structural, functional, and spatial information, amino acid conservation, physicochemical variation, residue mobility, and thermodynamic stability) indicates that this missense variant is not expected to disrupt ATM protein function with a negative predictive value of 95%. In summary, the available evidence is currently insufficient to determine the role of this variant in disease. Therefore, it has been classified as a Variant of Uncertain Significance.

Center for Genomic Medicine, Rigshospitalet, Copenhagen University Hospital
Classification: Uncertain significance. Last evaluated: 2025-03-04. Review status: criteria provided, single submitter. Criteria: ACMG Guidelines, 2015. Collection method: clinical testing. Allele origin: germline.

Natera, Inc.
Classification: Uncertain significance for Ataxia-telangiectasia. Last evaluated: 2025-04-04. Review status: no assertion criteria provided. Collection method: clinical testing. Allele origin: germline. Not counted in ClinVar's aggregate classification.

Literature cited by the submitters: PubMed 40580951 (cited by Ambry Genetics).

NM_000051.4(ATM):c.5934A>C (p.Glu1978Asp)

Genes: ATM (ATM serine/threonine kinase; plus strand), C11orf65 (chromosome 11 open reading frame 65; minus strand). Cytogenetic location: 11q22.3.
Variant type: single nucleotide variant.
Coding change: c.5934A>C on transcript NM_000051.4 (MANE Select); coding-DNA position 5934, A replaced by C.
Protein change: p.Glu1978Asp; replaces glutamic acid 1978 with aspartic acid.
Molecular consequence: missense variant. On other transcripts: intron variant (2).
Genome position (GRCh38, 1-based): chr11:108,312,426, A>C. VCF-style: chr11-108312426-A-C. GRCh37 (hg19) VCF-style: chr11-108183153-A-C.
Other names: c.*39-3355T>G (NM_001351110.2); c.5934A>C, p.Glu1978Asp (NM_001351834.2); c.641-3355T>G (NM_001330368.2); short protein forms E1978D.
Identifiers: ClinVar variation 482747 (VCV000482747.20), dbSNP rs945198632, ClinGen allele CA228398232.